The following is an entry in ClinVar:

ClinVar aggregate classification (germline): Uncertain significance (1 of 4 stars; one submission).

gnomAD v4.1: 48 of 1,590,162 alleles (0.003%); highest among the groups gnomAD compares: African/African-American, 0.018%; no homozygotes.

Submission:

Women's Health and Genetics/Laboratory Corporation of America, LabCorp
Classification: Uncertain significance. Last evaluated: 2025-07-22. Review status: criteria provided, single submitter. Criteria: LabCorp Variant Classification Summary - May 2015. Collection method: clinical testing. Allele origin: germline.
Comment: Variant summary: PLAU c.*20G>A is located in the untranslated mRNA region downstream of the termination codon. The variant allele was found at a frequency of 7.2e-05 in 235578 control chromosomes. This frequency is not significantly higher than estimated for a pathogenic variant in PLAU causing Quebec Platelet Disorder, allowing no conclusion about variant significance. To our knowledge, no occurrence of c.*20G>A in individuals affected with Quebec Platelet Disorder and no experimental evidence demonstrating its impact on protein function have been reported. No submitters have cited clinical-significance assessments for this variant to ClinVar. Based on the evidence outlined above, the variant was classified as uncertain significance.

NM_002658.6(PLAU):c.*20G>A

Genes: PLAU (plasminogen activator, urokinase; plus strand), C10orf55 (chromosome 10 putative open reading frame 55; minus strand). Cytogenetic location: 10q22.2.
Variant type: single nucleotide variant.
Coding change: c.*20G>A on transcript NM_002658.6 (MANE Select); 20 bases downstream of the stop codon, G replaced by A.
Molecular consequence: 3 prime UTR variant. On other transcripts: non-coding transcript variant (2).
Genome position (GRCh38, 1-based): chr10:73,916,585, G>A. VCF-style: chr10-73916585-G-A. GRCh37 (hg19) VCF-style: chr10-75676343-G-A.
Other names: c.*20G>A (NM_001145031.3, NM_001319191.2, NM_001441154.1 and 5 more transcripts); c.*151G>A (NM_001441160.1).
Identifiers: ClinVar variation 4525705 (VCV004525705.1).